The following is an entry in ClinVar:

NM_000123.4(ERCC5):c.2751del (p.Lys917fs)

Genes: BIVM-ERCC5 (BIVM-ERCC5 readthrough; plus strand), ERCC5 (ERCC excision repair 5, endonuclease; plus strand). Cytogenetic location: 13q33.1.
Variant type: Deletion.
Coding change: c.2751del on transcript NM_000123.4 (MANE Select); coding-DNA position 2751, one base deleted (A; older notation c.2751delA).
Protein change: p.Lys917fs; shifts the reading frame from lysine 917.
Molecular consequence: frameshift variant.
Genome position (GRCh38, 1-based): chr13:102,872,270, A deleted; the last of 9 consecutive A bases (chr13:102,872,262-102,872,270); deleting any one gives the same sequence. VCF-style (leftmost placement, unchanged base first): chr13-102872261-GA-G. GRCh37 (hg19) VCF-style: chr13-103524611-GA-G.
Other names: c.4113del, p.Lys1371fs (NM_001204425.2); c.2751delA, p.Lys917Asnfs (NM_000123.3); short protein forms K917fs, K1371fs.
Identifiers: ClinVar variation 16576 (VCV000016576.9), dbSNP rs752661599, ClinGen allele CA257536.
Genomic context (GRCh38, chr13:102,872,261, plus strand): 5'-ATGGTGGCATGAAGCTCAAAAAAATCCAAAGATAAGACCTAATCCTCATGACACCAAAGT[GA>G]AAAAAAAATTACGGACATTGCAACTCACCCCTGGCTTTCCTAACCCAGCTGTTGCCGAGG-3'

ClinVar aggregate classification (germline): Pathogenic/Likely pathogenic. Review status: criteria provided, multiple submitters, no conflicts (2 of 4 stars). 7 submissions from 7 submitters: Pathogenic (5); Likely pathogenic (1). 1 of the submissions does not count toward it. Last evaluated 2025-10-16.

Conditions:
ERCC5-related disorders.
ERCC5-related disorder. Also called: ERCC5-related condition.
Cerebrooculofacioskeletal syndrome 3 (COFS3). Identifiers: MedGen C1851443, MONDO:0014696, OMIM 616570.
Xeroderma pigmentosum, group G (XPG). Also called: ERCC5-Related Xeroderma Pigmentosum; Xeroderma pigmentosum type 7; XERODERMA PIGMENTOSUM VII; XP, GROUP G. Identifiers: MedGen C0268141, MONDO:0010216, OMIM 278780.
Xeroderma pigmentosum (XP). Identifiers: Orphanet 910, MedGen C0043346, MONDO:0019600.

Submissions (7):

PreventionGenetics, part of Exact Sciences
Classification: Pathogenic for ERCC5-related condition. Last evaluated: 2025-10-16. Review status: criteria provided, single submitter. Criteria: ACMG Guidelines, 2015. Collection method: clinical testing. Allele origin: germline.
Comment: The ERCC5 c.2751delA variant is predicted to result in a frameshift and premature protein termination (p.Lys917Asnfs*65). Functional studies demonstrate that fibroblasts containing the c.2751delA variant are extremely UV sensitive compared to wild type cells (Lalle et al. 2002. PubMed ID: 11841555). Further, in the reported individual, western blot analysis showed that the combination of the c.2751delA variant with an alternative splicing event resulted in a full length XPG protein; however, it lacked endonuclease activity in vitro (Lalle et al. 2002. PubMed ID: 11841555). This variant is absent from the gnomAD v2 database, but is reported in 8 alleles out of 1,612,482 alleles in gnomAD v4 database. This variant is consistently interpreted as pathogenic in the ClinVar database (Variation ID: 16576). Frameshift variants in ERCC5 are expected to be pathogenic. This variant is interpreted as pathogenic.

Fulgent Genetics
Classification: Pathogenic for Xeroderma pigmentosum, group G; Cerebrooculofacioskeletal syndrome 3. Last evaluated: 2024-02-16. Review status: criteria provided, single submitter. Criteria: ACMG Guidelines, 2015. Collection method: clinical testing. Allele origin: germline.

Blueprint Genetics
Classification: Likely pathogenic for ERCC5-related disorders. Last evaluated: 2023-11-13. Review status: criteria provided, single submitter. Criteria: ACMG Guidelines, 2015. Collection method: clinical testing. Allele origin: germline. Affected: yes. Observed: 5 variant alleles.

Labcorp Genetics (formerly Invitae), Labcorp
Classification: Pathogenic. Last evaluated: 2023-07-19. Review status: criteria provided, single submitter. Criteria: Invitae Variant Classification Sherloc (09022015). Collection method: clinical testing. Allele origin: germline.
Comment: This sequence change creates a premature translational stop signal (p.Lys917Asnfs*65) in the ERCC5 gene. While this is not anticipated to result in nonsense mediated decay, it is expected to disrupt the last 270 amino acid(s) of the ERCC5 protein. This variant is not present in population databases (gnomAD no frequency). This premature translational stop signal has been observed in individuals with clinical features of xeroderma pigmentosum (PMID: 11841555; Invitae). This variant is also known as K917fs962fsX1186. ClinVar contains an entry for this variant (Variation ID: 16576). Algorithms developed to predict the effect of variants on protein structure and function are not available or were not evaluated for this variant. Experimental studies have shown that this premature translational stop signal affects ERCC5 function (PMID: 11841555). Studies have shown that this premature translational stop signal is associated with altered splicing resulting in multiple RNA products (PMID: 11841555). For these reasons, this variant has been classified as Pathogenic.

Women's Health and Genetics/Laboratory Corporation of America, LabCorp
Classification: Pathogenic for Xeroderma pigmentosum. Last evaluated: 2019-10-21. Review status: criteria provided, single submitter. Criteria: LabCorp Variant Classification Summary - May 2015. Collection method: clinical testing. Allele origin: germline.
Comment: Variant summary: ERCC5 c.2751delA (p.Lys917AsnfsX65) results in a premature termination codon, predicted to cause a truncation of the encoded protein or absence of the protein due to nonsense mediated decay, which are commonly known mechanisms for disease. Truncations downstream of this position have been classified as pathogenic by our laboratory. The variant was absent in 248226 control chromosomes (gnomAD). c.2751delA has been reported in the literature in a compound heterozygous individual affected with Xeroderma pigmentosum (Lalle_2002). These data indicate that the variant is likely to be associated with disease. In functional studies, the cells transfected with the variant were highly UV sensitive compared to control cells (Lalle_2002).No clinical diagnostic laboratories have submitted clinical-significance assessments for this variant to ClinVar after 2014. Based on the evidence outlined above, the variant was classified as pathogenic.

Neuberg Centre For Genomic Medicine, NCGM
Classification: Pathogenic for Xeroderma pigmentosum, group G. Review status: criteria provided, single submitter. Criteria: ACMG Guidelines, 2015. Collection method: clinical testing. Allele origin: germline. Inheritance: Autosomal recessive inheritance. Affected: yes.
Comment: The frameshift variant c.2751del (p.Lys917AsnfsTer65) in the ERCC5 gene has been reported previously in a heterozygous state in individuals affected with xeroderma pigmentosum (Drury et al., 2014; Lalle et al., 2022). The p.Lys917AsnfsTer65 variant is absent in 1000 Genomes. It has been submitted to ClinVar as Pathogenic. This variant is predicted to cause a loss of normal protein function through protein truncation. Loss of function variants have been previously reported to be disease causing. For these reasons, this variant has been classified as Pathogenic.

OMIM
Classification: Pathogenic for XERODERMA PIGMENTOSUM, COMPLEMENTATION GROUP G. Last evaluated: 2002-02-01. Review status: no assertion criteria provided. Collection method: literature only. Allele origin: germline. Not counted in ClinVar's aggregate classification.

Literature cited by the submitters: PubMed 11841555 (cited by 3 submitters); PubMed 24700531 (cited by Women's Health and Genetics/Laboratory Corporation of America, LabCorp); PubMed 23370536 (cited by Women's Health and Genetics/Laboratory Corporation of America, LabCorp).